The following is an entry in ClinVar:

NM_000051.4(ATM):c.4267del (p.Cys1423fs)

Gene: ATM (ATM serine/threonine kinase; plus strand). Cytogenetic location: 11q22.3.
Variant type: Deletion.
Coding change: c.4267del on transcript NM_000051.4 (MANE Select); coding-DNA position 4267, one base deleted (T; older notation c.4267delT).
Protein change: p.Cys1423fs; shifts the reading frame from cysteine 1423.
Molecular consequence: frameshift variant.
Genome position (GRCh38, 1-based): chr11:108,289,632, T deleted. VCF-style (leftmost placement, unchanged base first): chr11-108289631-AT-A. GRCh37 (hg19) VCF-style: chr11-108160358-AT-A.
Other names: c.4267del, p.Cys1423fs (NM_001351834.2); short protein forms C1423fs.
Identifiers: ClinVar variation 1739211 (VCV001739211.2), dbSNP rs2546908755, ClinGen allele CA2580083219.

ClinVar aggregate classification (germline): Pathogenic (1 of 4 stars; one submission).

Conditions:
Hereditary cancer-predisposing syndrome. Also called: Hereditary Cancer Syndrome; Hereditary neoplastic syndrome; Neoplastic Syndromes, Hereditary; Tumor predisposition. Identifiers: Orphanet 140162, MedGen C0027672, MeSH D009386, MONDO:0015356.

Submission:

Ambry Genetics
Classification: Pathogenic for Hereditary cancer-predisposing syndrome. Last evaluated: 2020-08-20. Review status: criteria provided, single submitter. Criteria: Ambry Variant Classification Scheme 2023. Collection method: clinical testing. Allele origin: germline.
Comment: The c.4267delT pathogenic mutation, located in coding exon 28 of the ATM gene, results from a deletion of one nucleotide at nucleotide position 4267, causing a translational frameshift with a predicted alternate stop codon (p.C1423Vfs*28). This alteration is expected to result in loss of function by premature protein truncation or nonsense-mediated mRNA decay. As such, this alteration is interpreted as a disease-causing mutation.